The following is an entry in ClinVar:

NM_001754.5(RUNX1):c.917G>T (p.Arg306Leu)

Gene: RUNX1 (RUNX family transcription factor 1; minus strand). Cytogenetic location: 21q22.12.
Variant type: single nucleotide variant.
Coding change: c.917G>T on transcript NM_001754.5 (MANE Select); coding-DNA position 917, G replaced by T.
Protein change: p.Arg306Leu; replaces arginine 306 with leucine.
Molecular consequence: missense variant.
Genome position (GRCh38, 1-based): chr21:34,799,351, C>A on the plus strand (G>T on the coding strand, the complement: RUNX1 is on the minus strand). VCF-style: chr21-34799351-C-A. GRCh37 (hg19) VCF-style: chr21-36171648-C-A.
Other names: c.836G>T, p.Arg279Leu (NM_001001890.3); short protein forms R279L, R306L.
Identifiers: ClinVar variation 5028554 (VCV005028554.1).

ClinVar aggregate classification (germline): Uncertain significance (1 of 4 stars; one submission).

Conditions:
Inborn genetic diseases. Identifiers: MedGen C0950123, MeSH D030342.

Submission:

Ambry Genetics
Classification: Uncertain significance for Inborn genetic diseases. Last evaluated: 2026-06-24. Review status: criteria provided, single submitter. Criteria: Ambry Variant Classification Scheme 2023. Collection method: clinical testing. Allele origin: germline.
Comment: The p.R306L variant (also known as c.917G>T), located in coding exon 7 of the RUNX1 gene, results from a G to T substitution at nucleotide position 917. The arginine at codon 306 is replaced by leucine, an amino acid with dissimilar properties. This amino acid position is conserved. In addition, the in silico prediction for this alteration is inconclusive. Based on the available evidence, the clinical significance of this variant remains unclear.